The following is an entry in ClinVar:

NM_052947.4(ALPK2):c.5177G>C (p.Gly1726Ala)

Genes: ALPK2 (alpha kinase 2; minus strand), LOC130062577 (ATAC-STARR-seq lymphoblastoid active region 13389; plus strand). Cytogenetic location: 18q21.31.
Variant type: single nucleotide variant.
Coding change: c.5177G>C on transcript NM_052947.4 (MANE Select); coding-DNA position 5177, G replaced by C.
Protein change: p.Gly1726Ala; replaces glycine 1726 with alanine.
Molecular consequence: missense variant.
Genome position (GRCh38, 1-based): chr18:58,535,010, C>G on the plus strand (G>C on the coding strand, the complement: ALPK2 is on the minus strand). VCF-style: chr18-58535010-C-G. GRCh37 (hg19) VCF-style: chr18-56202242-C-G.
Other names: short protein forms G1726A.
Identifiers: ClinVar variation 2626027 (VCV002626027.2), dbSNP rs1019466679, ClinGen allele CA402557705.

ClinVar aggregate classification (germline): Uncertain significance (1 of 4 stars; one submission).

Submission:

Ambry Genetics
Classification: Uncertain significance. Last evaluated: 2023-08-28. Review status: criteria provided, single submitter. Criteria: Ambry Variant Classification Scheme 2023. Collection method: clinical testing. Allele origin: germline.
Comment: The p.G1726A variant (also known as c.5177G>C), located in coding exon 4 of the ALPK2 gene, results from a G to C substitution at nucleotide position 5177. The glycine at codon 1726 is replaced by alanine, an amino acid with similar properties. This amino acid position is conserved. In addition, this alteration is predicted to be tolerated by in silico analysis. Since supporting evidence is limited at this time, the clinical significance of this alteration remains unclear.